The following is an entry in ClinVar:

ClinVar aggregate classification (germline): Uncertain significance (1 of 4 stars; one submission).

gnomAD v4.1: 3 of 1,613,940 alleles (0.00019%); highest among the groups gnomAD compares: African/African-American, 0.0013%; no homozygotes.

Submission:

GeneDx
Classification: Uncertain significance. Last evaluated: 2025-06-18. Review status: criteria provided, single submitter. Criteria: GeneDx Variant Classification Process June 2021. Collection method: clinical testing. Allele origin: germline. Affected: yes.
Comment: Not observed at significant frequency in large population cohorts (gnomAD); In silico analysis suggests that this missense variant does not alter protein structure/function; Has not been previously published as pathogenic or benign to our knowledge

NM_170606.3(KMT2C):c.14047G>A (p.Ala4683Thr)

Gene: KMT2C (lysine methyltransferase 2C; minus strand). Cytogenetic location: 7q36.1.
Variant type: single nucleotide variant.
Coding change: c.14047G>A on transcript NM_170606.3 (MANE Select); coding-DNA position 14047, G replaced by A.
Protein change: p.Ala4683Thr; replaces alanine 4683 with threonine.
Molecular consequence: missense variant.
Genome position (GRCh38, 1-based): chr7:152,145,280, C>T on the plus strand (G>A on the coding strand, the complement: KMT2C is on the minus strand). VCF-style: chr7-152145280-C-T. GRCh37 (hg19) VCF-style: chr7-151842365-C-T.
Other names: short protein forms A4683T.
Identifiers: ClinVar variation 3373256 (VCV003373256.2).